The following is an entry in ClinVar:

NM_004168.4(SDHA):c.653A>T (p.Glu218Val)

Gene: SDHA (succinate dehydrogenase complex flavoprotein subunit A; plus strand). Cytogenetic location: 5p15.33.
Variant type: single nucleotide variant.
Coding change: c.653A>T on transcript NM_004168.4 (MANE Select); coding-DNA position 653, A replaced by T.
Protein change: p.Glu218Val; replaces glutamic acid 218 with valine.
Molecular consequence: missense variant.
Genome position (GRCh38, 1-based): chr5:228,216, A>T. VCF-style: chr5-228216-A-T. GRCh37 (hg19) VCF-style: chr5-228331-A-T.
Other names: c.509A>T, p.Glu170Val (NM_001294332.2); c.653A>T, p.Glu218Val (NM_001330758.2); short protein forms E218V, E170V.
Identifiers: ClinVar variation 947483 (VCV000947483.10), dbSNP rs1735163544, ClinGen allele CA359010863.

ClinVar aggregate classification (germline): Uncertain significance (1 of 4 stars; one submission).

Conditions:
Mitochondrial complex II deficiency, nuclear type 1. Also called: SUCCINATE CoQ REDUCTASE DEFICIENCY. Identifiers: Orphanet 3208, MedGen C5700310, MONDO:0100294, OMIM 252011.
Pheochromocytoma/paraganglioma syndrome 5. Also called: Paragangliomas 5; SDHA-Related Hereditary Paraganglioma-Pheochromocytoma Syndrome. Identifiers: Orphanet 29072, MedGen C3279992, MONDO:0013602, OMIM 614165.

Submission:

Labcorp Genetics (formerly Invitae), Labcorp
Classification: Uncertain significance for Pheochromocytoma/paraganglioma syndrome 5; Mitochondrial complex II deficiency, nuclear type 1. Last evaluated: 2022-11-22. Review status: criteria provided, single submitter. Criteria: Invitae Variant Classification Sherloc (09022015). Collection method: clinical testing. Allele origin: germline.
Comment: In summary, the available evidence is currently insufficient to determine the role of this variant in disease. Therefore, it has been classified as a Variant of Uncertain Significance. Algorithms developed to predict the effect of missense changes on protein structure and function (SIFT, PolyPhen-2, Align-GVGD) all suggest that this variant is likely to be disruptive. ClinVar contains an entry for this variant (Variation ID: 947483). This variant has not been reported in the literature in individuals affected with SDHA-related conditions. This variant is not present in population databases (gnomAD no frequency). This sequence change replaces glutamic acid, which is acidic and polar, with valine, which is neutral and non-polar, at codon 218 of the SDHA protein (p.Glu218Val).